The following is an entry in ClinVar:

ClinVar aggregate classification (germline): Pathogenic. Review status: criteria provided, multiple submitters, no conflicts (2 of 4 stars). 3 submissions from 3 submitters: Pathogenic (2). 1 of the submissions does not count toward it. Last evaluated 2023-11-24.

Conditions:
Thyroid hormone resistance, generalized, autosomal dominant (GRTHD). Also called: HYPERTHYROXINEMIA, FAMILIAL EUTHYROID, SECONDARY TO PITUITARY AND PERIPHERAL RESISTANCE TO THYROID HORMONES. Identifiers: MedGen C2937288, MONDO:0008569, OMIM 188570.
THRB-related disorder. Also called: THRB-related condition.

Submissions (3):

Quest Diagnostics Nichols Institute San Juan Capistrano
Classification: Pathogenic. Last evaluated: 2023-11-24. Review status: criteria provided, single submitter. Criteria: Quest Diagnostics criteria. Collection method: clinical testing. Allele origin: unknown.
Comment: The THRB c.1358dup (p.Leu454Phefs*11) variant (also known as 1643_1644insC, 1638i fs codon 452) alters the translational reading frame of the THRB mRNA, producing abnormal amino acid sequence in codons 454-461 and a C-terminal extension of the transcript by 2 amino acids. In the published literature, this variant has been reported in individuals with generalized resistance to thyroid hormone (RTH), and to segregate with disease in at least one family (PMIDs: 25063548 (2014), 17610520 (2007), 17596672 (2007), 8040303 (1994)). Experimental studies indicate this variant has deleterious effects on THRB protein functions in vitro (PMID: 16464943 (2006)). This variant has not been reported in large, multi-ethnic general populations (Genome Aggregation Database). Based on the available information, this variant is classified as pathogenic.

PreventionGenetics, part of Exact Sciences
Classification: Pathogenic for THRB-related condition. Last evaluated: 2023-03-23. Review status: criteria provided, single submitter. Criteria: ACMG Guidelines, 2015. Collection method: clinical testing. Allele origin: germline.
Comment: The THRB c.1358dupC variant is predicted to result in a frameshift and premature protein termination (p.Leu454Phefs*11). This variant has been reported in multiple individuals with thyroid hormone resistance (Wu et al. 2006. PubMed ID: 16464943; Cardoso et al. 2014. PubMed ID: 25063548; Kim et al. 2007. PubMed ID: 17596672). This variant has not been reported in a large population database, indicating this variant is rare. Frameshift variants in THRB are expected to be pathogenic. This variant is interpreted as pathogenic.

Clinical Molecular Genetics Laboratory, Johns Hopkins All Children's Hospital
Classification: Pathogenic for Thyroid hormone resistance, generalized, autosomal dominant. Last evaluated: 2009-03-23. Review status: no assertion criteria provided. Collection method: clinical testing. Allele origin: germline. Affected: yes. Not counted in ClinVar's aggregate classification.

Literature cited by the submitters: PubMed 25063548 (cited by Quest Diagnostics Nichols Institute San Juan Capistrano); PubMed 17610520 (cited by Quest Diagnostics Nichols Institute San Juan Capistrano); PubMed 17596672 (cited by Quest Diagnostics Nichols Institute San Juan Capistrano); PubMed 16464943 (cited by Quest Diagnostics Nichols Institute San Juan Capistrano); PubMed 8040303 (cited by Quest Diagnostics Nichols Institute San Juan Capistrano).

NM_001354712.2(THRB):c.1358dup (p.Leu454fs)

Gene: THRB (thyroid hormone receptor beta; minus strand). Cytogenetic location: 3p24.2.
Variant type: Duplication.
Coding change: c.1358dup on transcript NM_001354712.2 (MANE Select); coding-DNA position 1358, one base duplicated (C; older notation c.1358dupC).
Protein change: p.Leu454fs; shifts the reading frame from leucine 454.
Molecular consequence: frameshift variant.
Genome position (GRCh38, 1-based): chr3:24,122,912, G duplicated on the plus strand (C on the coding strand, the reverse complement: THRB is on the minus strand); the first of 6 consecutive G bases (chr3:24,122,912-24,122,917); duplicating any one gives the same sequence. VCF-style (leftmost placement, unchanged base first): chr3-24122911-A-AG. GRCh37 (hg19) VCF-style: chr3-24164402-A-AG.
Other names: c.1358dup, p.Leu454fs (NM_000461.5, NM_001128176.3, NM_001128177.2 and 6 more transcripts); c.1265dup, p.Leu423fs (NM_001354714.2, NM_001354715.2); c.1358dup (NM_000461.4); c.1358dupC (NM_001252634.1); short protein forms L454fs, L423fs.
Identifiers: ClinVar variation 492925 (VCV000492925.3), dbSNP rs1553609119, ClinGen allele CA658683302.